The following is an entry in ClinVar:

NM_004329.3(BMPR1A):c.334-16A>T

Gene: BMPR1A (bone morphogenetic protein receptor type 1A; plus strand). Cytogenetic location: 10q23.2.
Variant type: single nucleotide variant.
Coding change: c.334-16A>T on transcript NM_004329.3 (MANE Select); 16 bases into the intron before coding-DNA position 334, A replaced by T.
Molecular consequence: intron variant.
Genome position (GRCh38, 1-based): chr10:86,899,778, A>T. VCF-style: chr10-86899778-A-T. GRCh37 (hg19) VCF-style: chr10-88659535-A-T.
Identifiers: ClinVar variation 1630831 (VCV001630831.10), dbSNP rs143279531, ClinGen allele CA5585490.
Genomic context (GRCh38, chr10:86,899,778, plus strand): 5'-ATTTTATGAATACTAAAAAGACATATCAGTTTAAAATACCAAACCATTTCTAATTTTATC[A>T]TTACTCTTCTTTTAGGATTCTCCAAAAGCCCAGCTACGCCGGACAATAGAATGTTGTCGG-3'

ClinVar aggregate classification (germline): Likely benign. Review status: criteria provided, multiple submitters, no conflicts (2 of 4 stars). 3 submissions from 3 submitters: Likely benign (3). Last evaluated 2025-12-01.

Conditions:
Juvenile polyposis syndrome (JPS). Identifiers: Orphanet 2929, MedGen C0345893, MONDO:0017380, OMIM 174900.

Allele frequency attached by ClinVar (database versions not stated): gnomAD exomes below 0.00001.
gnomAD v4.1: 6 of 1,602,592 alleles (0.00037%); highest among the groups gnomAD compares: Non-Finnish European, 0.00051%; no homozygotes.

Submissions (3):

Labcorp Genetics (formerly Invitae), Labcorp
Classification: Likely benign for Juvenile polyposis syndrome. Last evaluated: 2025-12-01. Review status: criteria provided, single submitter. Criteria: Invitae Variant Classification Sherloc (09022015). Collection method: clinical testing. Allele origin: germline.

Center for Genomic Medicine, Rigshospitalet, Copenhagen University Hospital
Classification: Likely benign. Last evaluated: 2025-03-04. Review status: criteria provided, single submitter. Criteria: ACMG Guidelines, 2015. Collection method: clinical testing. Allele origin: germline.

Myriad Genetics, Inc.
Classification: Likely benign for Juvenile polyposis syndrome. Last evaluated: 2024-07-31. Review status: criteria provided, single submitter. Criteria: Myriad Autosomal Dominant, Autosomal Recessive and X-Linked Classification Criteria (2023). Collection method: clinical testing. Allele origin: unknown.
Comment: This variant is considered likely benign. This variant is intronic and is not expected to impact mRNA splicing.